The following is an entry in ClinVar:

ClinVar aggregate classification (germline): Uncertain significance (1 of 4 stars; one submission).

gnomAD v4.1: 102 of 1,614,050 alleles (0.0063%); highest among the groups gnomAD compares: Non-Finnish European, 0.0083%; no homozygotes.

Submission:

Labcorp Genetics (formerly Invitae), Labcorp
Classification: Uncertain significance. Last evaluated: 2025-10-14. Review status: criteria provided, single submitter. Criteria: Invitae Variant Classification Sherloc (09022015). Collection method: clinical testing. Allele origin: germline.
Comment: This sequence change replaces isoleucine, which is neutral and non-polar, with threonine, which is neutral and polar, at codon 348 of the ESR2 protein (p.Ile348Thr). This variant is present in population databases (rs758311034, gnomAD 0.01%). This variant has not been reported in the literature in individuals affected with ESR2-related conditions. Invitae Evidence Modeling of protein sequence and biophysical properties (such as structural, functional, and spatial information, amino acid conservation, physicochemical variation, residue mobility, and thermodynamic stability) indicates that this missense variant is not expected to disrupt ESR2 protein function with a negative predictive value of 80%. In summary, the available evidence is currently insufficient to determine the role of this variant in disease. Therefore, it has been classified as a Variant of Uncertain Significance.

NM_001437.3(ESR2):c.1043T>C (p.Ile348Thr)

Gene: ESR2 (estrogen receptor 2; minus strand). Cytogenetic location: 14q23.2.
Variant type: single nucleotide variant.
Coding change: c.1043T>C on transcript NM_001437.3 (MANE Select); coding-DNA position 1043, T replaced by C.
Protein change: p.Ile348Thr; replaces isoleucine 348 with threonine.
Molecular consequence: missense variant. On other transcripts: non-coding transcript variant (1), intron variant (1).
Genome position (GRCh38, 1-based): chr14:64,257,274, A>G on the plus strand (T>C on the coding strand, the complement: ESR2 is on the minus strand). VCF-style: chr14-64257274-A-G. GRCh37 (hg19) VCF-style: chr14-64723992-A-G.
Other names: c.1043T>C, p.Ile348Thr (NM_001040275.1, NM_001214902.1, NM_001271876.1 and 2 more transcripts); c.952+3175T>C (NM_001271877.1); short protein forms I348T.
Identifiers: ClinVar variation 4751890 (VCV004751890.1).
Genomic context (GRCh38, chr14:64,257,274, plus strand): 5'-ATTTTTTCTCACCTGTCCAGAACAAGATCTGGAGCAAAGATGAGCTTGCCGGGGTGGTCA[A>G]TTGAGCGCCACATCAGCCCCATCATTAACACCTCCATCCAACAGCTCTCCAAGAGCCGCA-3'
Protein context (NP_001428.1, residues 338-358): VLMMGLMWRS[Ile348Thr]DHPGKLIFAP